The following is an entry in ClinVar:

NM_147196.3(TMIE):c.55G>A (p.Gly19Arg)

Gene: TMIE (transmembrane inner ear; plus strand). Cytogenetic location: 3p21.31.
Variant type: single nucleotide variant.
Coding change: c.55G>A on transcript NM_147196.3 (MANE Select); coding-DNA position 55, G replaced by A.
Protein change: p.Gly19Arg; replaces glycine 19 with arginine.
Molecular consequence: missense variant. On other transcripts: intron variant (2).
Genome position (GRCh38, 1-based): chr3:46,701,542, G>A. VCF-style: chr3-46701542-G-A. GRCh37 (hg19) VCF-style: chr3-46743032-G-A.
Other names: c.-66-4248G>A (NM_001370524.1, NM_001370525.1); short protein forms G19R.
Identifiers: ClinVar variation 4762845 (VCV004762845.1).

ClinVar aggregate classification (germline): Uncertain significance (1 of 4 stars; one submission).

gnomAD v4.1: 13 of 1,296,912 alleles (0.001%); highest among the groups gnomAD compares: Middle Eastern, 0.024%; 1 homozygote.

Submission:

Labcorp Genetics (formerly Invitae), Labcorp
Classification: Uncertain significance. Last evaluated: 2025-03-25. Review status: criteria provided, single submitter. Criteria: Invitae Variant Classification Sherloc (09022015). Collection method: clinical testing. Allele origin: germline.
Comment: This sequence change replaces glycine, which is neutral and non-polar, with arginine, which is basic and polar, at codon 19 of the TMIE protein (p.Gly19Arg). This variant is not present in population databases (gnomAD no frequency). This variant has not been reported in the literature in individuals affected with TMIE-related conditions. Experimental studies and prediction algorithms are not available or were not evaluated, and the functional significance of this variant is currently unknown. In summary, the available evidence is currently insufficient to determine the role of this variant in disease. Therefore, it has been classified as a Variant of Uncertain Significance.